The following is an entry in ClinVar:

NM_000038.6(APC):c.2429G>A (p.Arg810Lys)

Gene: APC (APC regulator of Wnt signaling pathway; plus strand). Cytogenetic location: 5q22.2.
Variant type: single nucleotide variant.
Coding change: c.2429G>A on transcript NM_000038.6 (MANE Select); coding-DNA position 2429, G replaced by A.
Protein change: p.Arg810Lys; replaces arginine 810 with lysine.
Molecular consequence: missense variant. On other transcripts: non-coding transcript variant (2).
Genome position (GRCh38, 1-based): chr5:112,838,023, G>A. VCF-style: chr5-112838023-G-A. GRCh37 (hg19) VCF-style: chr5-112173720-G-A.
Other names: c.2429G>A, p.Arg810Lys (NM_001127510.3, NM_001354895.2, NM_001407450.1); c.2375G>A, p.Arg792Lys (NM_001127511.3); c.2483G>A, p.Arg828Lys (NM_001354896.2, NM_001407447.1, NM_001407448.1 and 1 more transcripts); c.2459G>A, p.Arg820Lys (NM_001354897.2); c.2354G>A, p.Arg785Lys (NM_001354898.2); c.2345G>A, p.Arg782Lys (NM_001354899.2); c.2306G>A, p.Arg769Lys (NM_001354900.2); c.2252G>A, p.Arg751Lys (NM_001354901.2, NM_001407453.1); and 11 more; short protein forms R727K, R527K, R650K, R684K, R719K, R785K, R792K, R810K.
Identifiers: ClinVar variation 3929141 (VCV003929141.1).

ClinVar aggregate classification (germline): Uncertain significance (1 of 4 stars; one submission).

Conditions:
Hereditary cancer-predisposing syndrome. Also called: Hereditary Cancer Syndrome; Hereditary neoplastic syndrome; Neoplastic Syndromes, Hereditary; Tumor predisposition. Identifiers: Orphanet 140162, MedGen C0027672, MeSH D009386, MONDO:0015356.

gnomAD v4.1: 1 of 1,614,022 alleles (0.000062%); highest among the groups gnomAD compares: Non-Finnish European, 0.000085%; no homozygotes.

Submission:

Ambry Genetics
Classification: Uncertain significance for Hereditary cancer-predisposing syndrome. Last evaluated: 2025-05-02. Review status: criteria provided, single submitter. Criteria: Ambry Variant Classification Scheme 2023. Collection method: clinical testing. Allele origin: germline.
Comment: The p.R810K variant (also known as c.2429G>A), located in coding exon 15 of the APC gene, results from a G to A substitution at nucleotide position 2429. The arginine at codon 810 is replaced by lysine, an amino acid with highly similar properties. This amino acid position is conserved. In addition, in silico predictors for this gene do not accurately predict pathogenicity. Based on the available evidence, the clinical significance of this variant remains unclear.